The following is an entry in ClinVar:

NM_007348.4(ATF6):c.484+1G>A

Gene: ATF6 (activating transcription factor 6; plus strand). Cytogenetic location: 1q23.3.
Variant type: single nucleotide variant.
Coding change: c.484+1G>A on transcript NM_007348.4 (MANE Select); the canonical splice donor site of the intron after coding-DNA position 484, G replaced by A.
Molecular consequence: splice donor variant.
Genome position (GRCh38, 1-based): chr1:161,791,538, G>A. VCF-style: chr1-161791538-G-A. GRCh37 (hg19) VCF-style: chr1-161761328-G-A.
Other names: c.484+1G>A (NM_001410890.1).
Identifiers: ClinVar variation 1068149 (VCV001068149.6), dbSNP rs764142241, ClinGen allele CA343386312.

ClinVar aggregate classification (germline): Likely pathogenic. Review status: criteria provided, multiple submitters, no conflicts (2 of 4 stars). 2 submissions from 2 submitters: Likely pathogenic (2). Last evaluated 2022-08-23.

Conditions:
ATF6-related disorder. Also called: ATF6-related condition.

Allele frequency attached by ClinVar (database versions not stated): gnomAD 0.00001.
gnomAD v4.1: 4 of 1,599,362 alleles (0.00025%); highest among the groups gnomAD compares: African/African-American, 0.0054%; no homozygotes.

Submissions (2):

Blueprint Genetics
Classification: Likely pathogenic for ATF6-related disorders. Last evaluated: 2022-08-23. Review status: criteria provided, single submitter. Criteria: ACMG Guidelines, 2015. Collection method: clinical testing. Allele origin: germline. Affected: yes. Observed: 1 variant allele.

Labcorp Genetics (formerly Invitae), Labcorp
Classification: Likely pathogenic. Last evaluated: 2021-08-05. Review status: criteria provided, single submitter. Criteria: Invitae Variant Classification Sherloc (09022015). Collection method: clinical testing. Allele origin: germline.
Comment: This sequence change affects a donor splice site in intron 5 of the ATF6 gene. It is expected to disrupt RNA splicing. Variants that disrupt the donor or acceptor splice site typically lead to a loss of protein function (PMID: 16199547), and loss-of-function variants in ATF6 are known to be pathogenic (PMID: 26029869, 26063662, 26070061). This variant is not present in population databases (ExAC no frequency). This variant has not been reported in the literature in individuals affected with ATF6-related conditions. ClinVar contains an entry for this variant (Variation ID: 1068149). Algorithms developed to predict the effect of sequence changes on RNA splicing suggest that this variant may disrupt the consensus splice site. In summary, the currently available evidence indicates that the variant is pathogenic, but additional data are needed to prove that conclusively. Therefore, this variant has been classified as Likely Pathogenic.

Literature cited by the submitters: PubMed 16199547 (cited by Labcorp Genetics (formerly Invitae), Labcorp); PubMed 26029869 (cited by Labcorp Genetics (formerly Invitae), Labcorp); PubMed 26063662 (cited by Labcorp Genetics (formerly Invitae), Labcorp); PubMed 26070061 (cited by Labcorp Genetics (formerly Invitae), Labcorp).